The following is an entry in ClinVar:

NM_000051.4(ATM):c.5690del (p.Phe1897fs)

Gene: ATM (ATM serine/threonine kinase; plus strand). Cytogenetic location: 11q22.3.
Variant type: Deletion.
Coding change: c.5690del on transcript NM_000051.4 (MANE Select); coding-DNA position 5690, one base deleted (T; older notation c.5690delT).
Protein change: p.Phe1897fs; shifts the reading frame from phenylalanine 1897.
Molecular consequence: frameshift variant.
Genome position (GRCh38, 1-based): chr11:108,307,912, T deleted; the last of 5 consecutive T bases (chr11:108,307,908-108,307,912); deleting any one gives the same sequence. VCF-style (leftmost placement, unchanged base first): chr11-108307907-CT-C. GRCh37 (hg19) VCF-style: chr11-108178634-CT-C.
Other names: c.5690del, p.Phe1897fs (NM_001351834.2); short protein forms F1897fs.
Identifiers: ClinVar variation 825899 (VCV000825899.11), dbSNP rs1591731851, ClinGen allele CA915947636.
Genomic context (GRCh38, chr11:108,307,907, plus strand): 5'-TGTGTAAGCAAGAATGCCTGGGACTGAGGGGAGATATTTTTGTTTGTCAGAGTCAGAGCA[CT>C]TTTTCCGATGCTGTTTGGATAAAAAATCACAAAGAACAATGCTTGCTGTTGTGGACTACA-3'

ClinVar aggregate classification (germline): Pathogenic. Review status: criteria provided, multiple submitters, no conflicts (2 of 4 stars). 3 submissions from 3 submitters: Pathogenic (3). Last evaluated 2024-01-25.

Conditions:
Familial cancer of breast. Also called: hereditary breast carcinoma; BREAST CANCER, FAMILIAL; Hereditary breast cancer. Identifiers: Orphanet 227535, MedGen C0346153, MONDO:0016419, OMIM 114480. Disease mechanism: loss of function.
Hereditary cancer-predisposing syndrome. Also called: Neoplastic Syndromes, Hereditary; Hereditary Cancer Syndrome; Hereditary neoplastic syndrome; Tumor predisposition. Identifiers: Orphanet 140162, MedGen C0027672, MeSH D009386, MONDO:0015356.
Ataxia-telangiectasia syndrome (AT). Also called: ATAXIA-TELANGIECTASIA, COMPLEMENTATION GROUP A; ATAXIA-TELANGIECTASIA, FRESNO VARIANT; Ataxia-telangiectasia, complementation group E; Ataxia telangiectasia (A-T); LOUIS-BAR SYNDROME; Cerebello-oculocutaneous telangiectasia. Identifiers: Orphanet 100, MedGen C0004135, MONDO:0008840, OMIM 208900.

Submissions (3):

Myriad Genetics, Inc.
Classification: Pathogenic for Familial cancer of breast. Last evaluated: 2024-01-25. Review status: criteria provided, single submitter. Criteria: Myriad Autosomal Dominant, Autosomal Recessive and X-Linked Classification Criteria (2023). Collection method: clinical testing. Allele origin: unknown.
Comment: This variant is considered pathogenic. This variant creates a frameshift predicted to result in premature protein truncation.

Labcorp Genetics (formerly Invitae), Labcorp
Classification: Pathogenic for Ataxia-telangiectasia syndrome. Last evaluated: 2022-01-27. Review status: criteria provided, single submitter. Criteria: Invitae Variant Classification Sherloc (09022015). Collection method: clinical testing. Allele origin: germline.
Comment: This variant is not present in population databases (gnomAD no frequency). This sequence change creates a premature translational stop signal (p.Phe1897Serfs*20) in the ATM gene. It is expected to result in an absent or disrupted protein product. Loss-of-function variants in ATM are known to be pathogenic (PMID: 23807571, 25614872). This variant has not been reported in the literature in individuals affected with ATM-related conditions. For these reasons, this variant has been classified as Pathogenic. ClinVar contains an entry for this variant (Variation ID: 825899).

Ambry Genetics
Classification: Pathogenic for Hereditary cancer-predisposing syndrome. Last evaluated: 2018-11-27. Review status: criteria provided, single submitter. Criteria: Ambry Variant Classification Scheme 2023. Collection method: clinical testing. Allele origin: germline.
Comment: The c.5690delT pathogenic mutation, located in coding exon 37 of the ATM gene, results from a deletion of one nucleotide at nucleotide position 5690, causing a translational frameshift with a predicted alternate stop codon (p.F1897Sfs*20). This alteration is expected to result in loss of function by premature protein truncation or nonsense-mediated mRNA decay. As such, this alteration is interpreted as a disease-causing mutation.

Literature cited by the submitters: PubMed 23807571 (cited by Labcorp Genetics (formerly Invitae), Labcorp); PubMed 25614872 (cited by Labcorp Genetics (formerly Invitae), Labcorp).